The following is an entry in ClinVar:

NM_199334.5(THRA):c.713T>C (p.Met238Thr)

Gene: THRA (thyroid hormone receptor alpha; plus strand). Cytogenetic location: 17q21.1.
Variant type: single nucleotide variant.
Coding change: c.713T>C on transcript NM_199334.5 (MANE Select); coding-DNA position 713, T replaced by C.
Protein change: p.Met238Thr; replaces methionine 238 with threonine.
Molecular consequence: missense variant.
Genome position (GRCh38, 1-based): chr17:40,086,843, T>C. VCF-style: chr17-40086843-T-C. GRCh37 (hg19) VCF-style: chr17-38243096-T-C.
Other names: c.713T>C, p.Met238Thr (NM_001190918.2, NM_001190919.2, NM_003250.6); short protein forms M238T.
Identifiers: ClinVar variation 3368087 (VCV003368087.2).

ClinVar aggregate classification (germline): Uncertain significance. Review status: criteria provided, multiple submitters, no conflicts (2 of 4 stars). 2 submissions from 2 submitters: Uncertain significance (2). Last evaluated 2024-12-16.

Submissions (2):

Women's Health and Genetics/Laboratory Corporation of America, LabCorp
Classification: Uncertain significance. Last evaluated: 2024-12-16. Review status: criteria provided, single submitter. Criteria: LabCorp Variant Classification Summary - May 2015. Collection method: clinical testing. Allele origin: germline.
Comment: Variant summary: THRA c.713T>C (p.Met238Thr) results in a non-conservative amino acid change located in the Nuclear receptor (NR) ligand-binding (LBD) domain (IPR000536) of the encoded protein sequence. Four of five in-silico tools predict a damaging effect of the variant on protein function. The variant was absent in 251360 control chromosomes. The available data on variant occurrences in the general population are insufficient to allow any conclusion about variant significance. To our knowledge, no occurrence of c.713T>C in individuals affected with Congenital Nongoitrous Hypothryoidism 6 and no experimental evidence demonstrating its impact on protein function have been reported. ClinVar contains an entry for this variant (Variation ID: 3368087). Based on the evidence outlined above, the variant was classified as uncertain significance.

GeneDx
Classification: Uncertain significance. Last evaluated: 2024-01-26. Review status: criteria provided, single submitter. Criteria: GeneDx Variant Classification Process June 2021. Collection method: clinical testing. Allele origin: germline. Affected: yes.
Comment: Not observed at significant frequency in large population cohorts (gnomAD); In silico analysis supports that this missense variant has a deleterious effect on protein structure/function; Has not been previously published as pathogenic or benign to our knowledge